The following is an entry in ClinVar:

NM_001364905.1(LRBA):c.1408A>G (p.Ile470Val)

Gene: LRBA (LPS responsive beige-like anchor protein; minus strand). Cytogenetic location: 4q31.3.
Variant type: single nucleotide variant.
Coding change: c.1408A>G on transcript NM_001364905.1 (MANE Select); coding-DNA position 1408, A replaced by G.
Protein change: p.Ile470Val; replaces isoleucine 470 with valine.
Molecular consequence: missense variant.
Genome position (GRCh38, 1-based): chr4:150,908,419, T>C on the plus strand (A>G on the coding strand, the complement: LRBA is on the minus strand). VCF-style: chr4-150908419-T-C. GRCh37 (hg19) VCF-style: chr4-151829571-T-C.
Other names: c.1408A>G, p.Ile470Val (NM_001199282.3, NM_001367550.1, NM_006726.5); short protein forms I470V.
Identifiers: ClinVar variation 1008850 (VCV001008850.8), dbSNP rs562880170, ClinGen allele CA3103585.

ClinVar aggregate classification (germline): Uncertain significance. Review status: criteria provided, multiple submitters, no conflicts (2 of 4 stars). 2 submissions from 2 submitters: Uncertain significance (2). Last evaluated 2025-06-23.

Conditions:
Combined immunodeficiency due to LRBA deficiency. Also called: Common variable immunodeficiency 8, with autoimmunity. Identifiers: Orphanet 445018, MedGen C3553512, MONDO:0013863, OMIM 614700.

Allele frequency attached by ClinVar (database versions not stated): ExAC 0.00001; gnomAD 0.00001 and 0.00002; gnomAD exomes 0.00001 and 0.00002; TOPMed 0.00002; 1000 Genomes Project 30x 0.00016; 1000 Genomes Project 0.00020.
gnomAD v4.1: 19 of 1,609,888 alleles (0.0012%); highest among the groups gnomAD compares: Middle Eastern, 0.017%; no homozygotes.

Submissions (2):

Labcorp Genetics (formerly Invitae), Labcorp
Classification: Uncertain significance for Combined immunodeficiency due to LRBA deficiency. Last evaluated: 2025-06-23. Review status: criteria provided, single submitter. Criteria: Invitae Variant Classification Sherloc (09022015). Collection method: clinical testing. Allele origin: germline.
Comment: This sequence change replaces isoleucine, which is neutral and non-polar, with valine, which is neutral and non-polar, at codon 470 of the LRBA protein (p.Ile470Val). This variant is present in population databases (rs562880170, gnomAD 0.01%). This variant has not been reported in the literature in individuals affected with LRBA-related conditions. ClinVar contains an entry for this variant (Variation ID: 1008850). Invitae Evidence Modeling of protein sequence and biophysical properties (such as structural, functional, and spatial information, amino acid conservation, physicochemical variation, residue mobility, and thermodynamic stability) indicates that this missense variant is not expected to disrupt LRBA protein function with a negative predictive value of 80%. In summary, the available evidence is currently insufficient to determine the role of this variant in disease. Therefore, it has been classified as a Variant of Uncertain Significance.

Blueprint Genetics
Classification: Uncertain significance. Last evaluated: 2019-11-19. Review status: criteria provided, single submitter. Criteria: ACMG Guidelines, 2015. Collection method: clinical testing. Allele origin: germline.